The following is an entry in ClinVar:

ClinVar aggregate classification (germline): Uncertain significance. Review status: criteria provided, multiple submitters, no conflicts (2 of 4 stars). 2 submissions from 2 submitters: Uncertain significance (2). Last evaluated 2024-06-09.

Conditions:
Cardiomyopathy (CMYO). Also called: Cardiomyopathies. Identifiers: Orphanet 167848, MedGen C0878544, MONDO:0004994, HP:0001638. Inheritance: Various modes of inheritance.

Submissions (2):

All of Us Research Program, National Institutes of Health
Classification: Uncertain significance for Cardiomyopathy. Last evaluated: 2024-06-09. Review status: criteria provided, single submitter. Criteria: ACMG Guidelines, 2015. Collection method: clinical testing. Allele origin: germline. Inheritance: Autosomal dominant inheritance. Observed: 1 variant allele, 1 heterozygote.
Comment: This missense variant replaces lysine with arginine at codon 1444 of the MYH7 protein. Computational prediction is inconclusive regarding the impact of this variant on protein structure and function (internally defined REVEL score threshold 0.5 < inconclusive < 0.7, PMID: 27666373). To our knowledge, functional studies have not been reported for this variant. This variant has not been reported in individuals affected with MYH7-related disorders in the literature. This variant has not been identified in the general population by the Genome Aggregation Database (gnomAD). The available evidence is insufficient to determine the role of this variant in disease conclusively. Therefore, this variant is classified as a Variant of Uncertain Significance.

This study involves interpretation of variants in research participants for the purpose of population health screening. Participant phenotype was not available at the time of variant classification. Additional details can be found in publication PMID: 35346344, PMCID: PMC8962531

Color Diagnostics, LLC DBA Color Health
Classification: Uncertain significance for Cardiomyopathy. Last evaluated: 2024-05-28. Review status: criteria provided, single submitter. Criteria: ACMG Guidelines, 2015. Collection method: clinical testing. Allele origin: germline.
Comment: This missense variant replaces lysine with arginine at codon 1444 of the MYH7 protein. Computational prediction is inconclusive regarding the impact of this variant on protein structure and function (internally defined REVEL score threshold 0.5 < inconclusive < 0.7, PMID: 27666373). To our knowledge, functional studies have not been reported for this variant. This variant has not been reported in individuals affected with MYH7-related disorders in the literature. This variant has not been identified in the general population by the Genome Aggregation Database (gnomAD). The available evidence is insufficient to determine the role of this variant in disease conclusively. Therefore, this variant is classified as a Variant of Uncertain Significance.

NM_000257.4(MYH7):c.4331A>G (p.Lys1444Arg)

Genes: MHRT (myosin heavy chain associated RNA transcript; plus strand), MYH7 (myosin heavy chain 7; minus strand). Cytogenetic location: 14q11.2.
Variant type: single nucleotide variant.
Coding change: c.4331A>G on transcript NM_000257.4 (MANE Select); coding-DNA position 4331, A replaced by G.
Protein change: p.Lys1444Arg; replaces lysine 1444 with arginine.
Molecular consequence: missense variant.
Genome position (GRCh38, 1-based): chr14:23,417,525, T>C on the plus strand (A>G on the coding strand, the complement: MYH7 is on the minus strand). VCF-style: chr14-23417525-T-C. GRCh37 (hg19) VCF-style: chr14-23886734-T-C.
Other names: c.4331A>G, p.Lys1444Arg (NM_001407004.1); short protein forms K1444R.
Identifiers: ClinVar variation 3387302 (VCV003387302.2).